The following is an entry in ClinVar:

NM_006231.4(POLE):c.4363C>T (p.Leu1455Phe)

Gene: POLE (DNA polymerase epsilon, catalytic subunit; minus strand). Cytogenetic location: 12q24.33.
Variant type: single nucleotide variant.
Coding change: c.4363C>T on transcript NM_006231.4 (MANE Select); coding-DNA position 4363, C replaced by T.
Protein change: p.Leu1455Phe; replaces leucine 1455 with phenylalanine.
Molecular consequence: missense variant.
Genome position (GRCh38, 1-based): chr12:132,643,488, G>A on the plus strand (C>T on the coding strand, the complement: POLE is on the minus strand). VCF-style: chr12-132643488-G-A. GRCh37 (hg19) VCF-style: chr12-133220074-G-A.
Other names: short protein forms L1455F.
Identifiers: ClinVar variation 1740030 (VCV001740030.5), dbSNP rs2138551804, ClinGen allele CA387381280.

ClinVar aggregate classification (germline): Uncertain significance. Review status: criteria provided, multiple submitters, no conflicts (2 of 4 stars). 2 submissions from 2 submitters: Uncertain significance (2). Last evaluated 2023-07-07.

Conditions:
Hereditary cancer-predisposing syndrome. Also called: Hereditary Cancer Syndrome; Hereditary neoplastic syndrome; Neoplastic Syndromes, Hereditary; Tumor predisposition. Identifiers: Orphanet 140162, MedGen C0027672, MeSH D009386, MONDO:0015356.

Submissions (2):

Labcorp Genetics (formerly Invitae), Labcorp
Classification: Uncertain significance. Last evaluated: 2023-07-07. Review status: criteria provided, single submitter. Criteria: Invitae Variant Classification Sherloc (09022015). Collection method: clinical testing. Allele origin: germline.
Comment: In summary, the available evidence is currently insufficient to determine the role of this variant in disease. Therefore, it has been classified as a Variant of Uncertain Significance. Advanced modeling of protein sequence and biophysical properties (such as structural, functional, and spatial information, amino acid conservation, physicochemical variation, residue mobility, and thermodynamic stability) performed at Invitae indicates that this missense variant is not expected to disrupt POLE protein function. ClinVar contains an entry for this variant (Variation ID: 1740030). This variant has not been reported in the literature in individuals affected with POLE-related conditions. This variant is not present in population databases (gnomAD no frequency). This sequence change replaces leucine, which is neutral and non-polar, with phenylalanine, which is neutral and non-polar, at codon 1455 of the POLE protein (p.Leu1455Phe).

Ambry Genetics
Classification: Uncertain significance for Hereditary cancer-predisposing syndrome. Last evaluated: 2021-09-15. Review status: criteria provided, single submitter. Criteria: Ambry Variant Classification Scheme 2023. Collection method: clinical testing. Allele origin: germline.
Comment: The p.L1455F variant (also known as c.4363C>T), located in coding exon 34 of the POLE gene, results from a C to T substitution at nucleotide position 4363. The leucine at codon 1455 is replaced by phenylalanine, an amino acid with highly similar properties. This amino acid position is conserved. In addition, this alteration is predicted to be tolerated by in silico analysis. Since supporting evidence is limited at this time, the clinical significance of this alteration remains unclear.